The following is an entry in ClinVar:

ClinVar aggregate classification (germline): Likely pathogenic. Review status: criteria provided, multiple submitters, no conflicts (2 of 4 stars). 3 submissions from 3 submitters: Likely pathogenic (3). Last evaluated 2022-10-26.

Conditions:
TTN-related disorder. Also called: TTN-related disorders; TTN-related condition; TTN-related disease.
Dilated cardiomyopathy 1G (CMD1G). Identifiers: Orphanet 154, MedGen C1858763, MONDO:0011400, OMIM 604145.
Autosomal recessive limb-girdle muscular dystrophy type 2J (LGMDR10). Also called: Limb-girdle muscular dystrophy, type 2J; MUSCULAR DYSTROPHY, LIMB-GIRDLE, AUTOSOMAL RECESSIVE 10. Identifiers: Orphanet 140922, MedGen C1837342, MONDO:0012127, OMIM 608807.
Early-onset myopathy with fatal cardiomyopathy (CMYO5). Also called: CONGENITAL MYOPATHY 5 WITH CARDIOMYOPATHY; Salih Myopathy. Identifiers: Orphanet 289377, MedGen C2673677, MONDO:0012714, OMIM 611705. Disease mechanism: loss of function.

gnomAD v4.1: 8 of 1,613,446 alleles (0.0005%); highest among the groups gnomAD compares: Non-Finnish European, 0.00068%; no homozygotes.

Submissions (3):

Labcorp Genetics (formerly Invitae), Labcorp
Classification: Likely pathogenic for Dilated cardiomyopathy 1G; Autosomal recessive limb-girdle muscular dystrophy type 2J. Last evaluated: 2022-10-26. Review status: criteria provided, single submitter. Criteria: Invitae Variant Classification Sherloc (09022015). Collection method: clinical testing. Allele origin: germline.
Comment: This sequence change creates a premature translational stop signal (p.Arg21639*) in the TTN gene. While this is not anticipated to result in nonsense mediated decay, it is expected to create a truncated TTN protein. This variant is not present in population databases (gnomAD no frequency). This premature translational stop signal has been observed in individual(s) with dilated cardiomyopathy (PMID: 32160020). ClinVar contains an entry for this variant (Variation ID: 466649). This variant is located in the A band of TTN (PMID: 25589632). Truncating variants in this region are significantly overrepresented in patients affected with dilated cardiomyopathy (PMID: 25589632). Truncating variants in this region have also been reported in individuals affected with autosomal recessive centronuclear myopathy (PMID: 23975875). In summary, the currently available evidence indicates that the variant is pathogenic, but additional data are needed to prove that conclusively. Therefore, this variant has been classified as Likely Pathogenic.

Blueprint Genetics
Classification: Likely pathogenic for TTN-related disorders. Last evaluated: 2018-09-13. Review status: criteria provided, single submitter. Criteria: ACMG Guidelines, 2015. Collection method: clinical testing. Allele origin: germline. Affected: yes. Observed: 1 variant allele.

Juno Genomics, Hangzhou Juno Genomics, Inc
Classification: Likely pathogenic for Early-onset myopathy with fatal cardiomyopathy. Review status: criteria provided, single submitter. Criteria: ACMG Guidelines, 2015. Collection method: clinical testing. Allele origin: germline.
Comment: Absent from controls (or at extremely low frequency if recessive) in Genome Aggregation Database.;Null variant in a gene where loss of function (LOF) is a known mechanism of disease.

Literature cited by the submitters: PubMed 32160020 (cited by Labcorp Genetics (formerly Invitae), Labcorp); PubMed 25589632 (cited by Labcorp Genetics (formerly Invitae), Labcorp); PubMed 23975875 (cited by Labcorp Genetics (formerly Invitae), Labcorp).

NM_001267550.2(TTN):c.64915C>T (p.Arg21639Ter)

Genes: TTN (titin; minus strand), TTN-AS1 (TTN antisense RNA 1; plus strand). Cytogenetic location: 2q31.2.
Variant type: single nucleotide variant.
Coding change: c.64915C>T on transcript NM_001267550.2 (MANE Select); coding-DNA position 64915, C replaced by T.
Protein change: p.Arg21639Ter; replaces arginine 21639 with a stop codon.
Molecular consequence: nonsense. On other transcripts: non-coding transcript variant (1).
Genome position (GRCh38, 1-based): chr2:178,584,726, G>A on the plus strand (C>T on the coding strand, the complement: TTN is on the minus strand). VCF-style: chr2-178584726-G-A. GRCh37 (hg19) VCF-style: chr2-179449453-G-A.
Other names: c.64915C>T (LRG_391t1); c.59992C>T, p.Arg19998Ter (NM_001256850.1); c.37720C>T, p.Arg12574Ter (NM_003319.4); c.57211C>T, p.Arg19071Ter (NM_133378.4); c.38095C>T, p.Arg12699Ter (NM_133432.3); c.38296C>T, p.Arg12766Ter (NM_133437.4); short protein forms R21639*, R12699*, R12574*, R19071*, R19998*, R12766*.
Identifiers: ClinVar variation 466649 (VCV000466649.12), dbSNP rs1432889079, ClinGen allele CA349436291.